The following is an entry in ClinVar:

NM_004006.3(DMD):c.9156dup (p.Leu3053fs)

Gene: DMD (dystrophin; minus strand). Cytogenetic location: Xp21.2.
Variant type: Duplication.
Coding change: c.9156dup on transcript NM_004006.3 (MANE Select); coding-DNA position 9156, one base duplicated (T; older notation c.9156dupT).
Protein change: p.Leu3053fs; shifts the reading frame from leucine 3053.
Molecular consequence: frameshift variant.
Genome position (GRCh38, 1-based): chrX:31,348,563, A duplicated on the plus strand (T on the coding strand, the reverse complement: DMD is on the minus strand); the first of 3 consecutive A bases (chrX:31,348,563-31,348,565); duplicating any one gives the same sequence. VCF-style (leftmost placement, unchanged base first): chrX-31348562-G-GA. GRCh37 (hg19) VCF-style: chrX-31366679-G-GA.
Other names: c.9132dup, p.Leu3045fs (NM_000109.4); c.9144dup, p.Leu3049fs (NM_004009.3); c.8787dup, p.Leu2930fs (NM_004010.3); c.5133dup, p.Leu1712fs (NM_004011.4); c.5124dup, p.Leu1709fs (NM_004012.4); c.1776dup, p.Leu593fs (NM_004013.3, NM_004020.4, NM_004021.3 and 2 more transcripts); c.969dup, p.Leu324fs (NM_004014.3); short protein forms L1709fs, L1712fs, L2930fs, L3045fs, L3049fs, L3053fs, L324fs, L593fs.
Identifiers: ClinVar variation 2737140 (VCV002737140.3), dbSNP rs2148491730, ClinGen allele CA2573055224.

ClinVar aggregate classification (germline): Pathogenic (1 of 4 stars; one submission).

Conditions:
Duchenne muscular dystrophy (DMD). Also called: MUSCULAR DYSTROPHY, PSEUDOHYPERTROPHIC PROGRESSIVE, DUCHENNE TYPE; Duchenne Muscular Dystrophy (DMD). Identifiers: Orphanet 98896, MedGen C0013264, MONDO:0010679, OMIM 310200.

Submission:

Labcorp Genetics (formerly Invitae), Labcorp
Classification: Pathogenic for Duchenne muscular dystrophy. Last evaluated: 2023-05-12. Review status: criteria provided, single submitter. Criteria: Invitae Variant Classification Sherloc (09022015). Collection method: clinical testing. Allele origin: germline.
Comment: For these reasons, this variant has been classified as Pathogenic. This variant is also known as c.9156_9157insT. This premature translational stop signal has been observed in individual(s) with Duchenne muscular dystrophy (PMID: 16834926). This variant is not present in population databases (gnomAD no frequency). This sequence change creates a premature translational stop signal (p.Leu3053Serfs*45) in the DMD gene. It is expected to result in an absent or disrupted protein product. Loss-of-function variants in DMD are known to be pathogenic (PMID: 16770791, 25007885).

Literature cited by the submitters: PubMed 16834926; PubMed 16770791; PubMed 25007885.